The following is an entry in ClinVar:

ClinVar aggregate classification (germline): Pathogenic/Likely pathogenic. Review status: criteria provided, multiple submitters, no conflicts (2 of 4 stars). 3 submissions from 3 submitters: Pathogenic (1); Likely pathogenic (1). 1 of the submissions does not count toward it. Last evaluated 2024-02-20.

Conditions:
Fanconi anemia complementation group G. Also called: FANCG-Related Fanconi Anemia; Fanconi anemia group G. Identifiers: Orphanet 84, MedGen C3469527, MONDO:0013565, OMIM 614082.
Fanconi anemia (FA). Also called: Fanconi's anemia. Identifiers: Orphanet 84, MedGen C0015625, MeSH D005199, MONDO:0019391.

Allele frequency attached by ClinVar (database versions not stated): gnomAD exomes below 0.00001; ExAC 0.00001.
gnomAD v4.1: 3 of 1,614,176 alleles (0.00019%); highest among the groups gnomAD compares: Admixed American, 0.0017%; no homozygotes.

Submissions (3):

Baylor Genetics
Classification: Pathogenic for Fanconi anemia complementation group G. Last evaluated: 2024-02-20. Review status: criteria provided, single submitter. Criteria: ACMG Guidelines, 2015. Collection method: clinical testing. Allele origin: unknown.

Labcorp Genetics (formerly Invitae), Labcorp
Classification: Likely pathogenic for Fanconi anemia. Last evaluated: 2023-08-28. Review status: criteria provided, single submitter. Criteria: Invitae Variant Classification Sherloc (09022015). Collection method: clinical testing. Allele origin: germline.
Comment: In summary, the currently available evidence indicates that the variant is pathogenic, but additional data are needed to prove that conclusively. Therefore, this variant has been classified as Likely Pathogenic. Algorithms developed to predict the effect of sequence changes on RNA splicing suggest that this variant may disrupt the consensus splice site. ClinVar contains an entry for this variant (Variation ID: 929687). This variant has not been reported in the literature in individuals affected with FANCG-related conditions. This variant is present in population databases (rs767518932, gnomAD 0.003%). This sequence change affects an acceptor splice site in intron 6 of the FANCG gene. It is expected to disrupt RNA splicing. Variants that disrupt the donor or acceptor splice site typically lead to a loss of protein function (PMID: 16199547), and loss-of-function variants in FANCG are known to be pathogenic (PMID: 12552564).

Leiden Open Variation Database
Classification: Pathogenic for Fanconi anemia complementation group G. Last evaluated: 2011-02-07. Review status: no assertion criteria provided. Collection method: curation. Allele origin: germline. Affected: yes. Not counted in ClinVar's aggregate classification.
Comment: Curator: Arleen D. Auerbach. Submitter to LOVD: Arleen D. Auerbach.

Literature cited by the submitters: PubMed 16199547 (cited by Labcorp Genetics (formerly Invitae), Labcorp); PubMed 12552564 (cited by Labcorp Genetics (formerly Invitae), Labcorp).

NM_004629.2(FANCG):c.778-1G>C

Gene: FANCG (FA complementation group G; minus strand). Cytogenetic location: 9p13.3.
Variant type: single nucleotide variant.
Coding change: c.778-1G>C on transcript NM_004629.2 (MANE Select); the canonical splice acceptor site of the intron before coding-DNA position 778, G replaced by C.
Molecular consequence: splice acceptor variant.
Genome position (GRCh38, 1-based): chr9:35,076,871, C>G on the plus strand (G>C on the coding strand, the complement: FANCG is on the minus strand). VCF-style: chr9-35076871-C-G. GRCh37 (hg19) VCF-style: chr9-35076868-C-G.
Identifiers: ClinVar variation 929687 (VCV000929687.8), dbSNP rs767518932, ClinGen allele CA5039943.
Genomic context (GRCh38, chr9:35,076,871, plus strand): 5'-CCAGGCTGATCCCTCTTTCAGGGCTGCAACCAAGTACAACAGTGCTCTCTGTGGATTTCC[C>G]TAAAGGGATAGGAGGACACGGGCCTCAGCTACCCTTACAAAGCAAAAAGCTATACATAAT-3'